The following is an entry in ClinVar:

NM_020843.4(SCAPER):c.3362C>T (p.Ser1121Leu)

Gene: SCAPER (S-phase cyclin A associated protein in the ER; minus strand). Cytogenetic location: 15q24.3.
Variant type: single nucleotide variant.
Coding change: c.3362C>T on transcript NM_020843.4 (MANE Select); coding-DNA position 3362, C replaced by T.
Protein change: p.Ser1121Leu; replaces serine 1121 with leucine.
Molecular consequence: missense variant. On other transcripts: non-coding transcript variant (1).
Genome position (GRCh38, 1-based): chr15:76,404,629, G>A on the plus strand (C>T on the coding strand, the complement: SCAPER is on the minus strand). VCF-style: chr15-76404629-G-A. GRCh37 (hg19) VCF-style: chr15-76696970-G-A.
Other names: c.2960C>T, p.Ser987Leu (NM_001353012.2, NM_001353010.2); c.2624C>T, p.Ser875Leu (NM_001145923.2); c.3380C>T, p.Ser1127Leu (NM_001353009.2); c.2978C>T, p.Ser993Leu (NM_001353011.2); c.3380C>T (NM_001353009.1); short protein forms S993L, S875L, S1121L, S1127L, S987L.
Identifiers: ClinVar variation 4925935 (VCV004925935.2).

ClinVar aggregate classification (germline): Uncertain significance. Review status: criteria provided, multiple submitters, no conflicts (2 of 4 stars). 2 submissions from 2 submitters: Uncertain significance (2). Last evaluated 2026-03-09.

Conditions:
SCAPER-related disorder. Also called: SCAPER-related condition.

gnomAD v4.1: 27 of 1,613,074 alleles (0.0017%); highest among the groups gnomAD compares: South Asian, 0.021%; no homozygotes.

Submissions (2):

PreventionGenetics, part of Exact Sciences
Classification: Uncertain significance for SCAPER-related condition. Last evaluated: 2026-03-09. Review status: criteria provided, single submitter. Criteria: ACMG Guidelines, 2015. Collection method: clinical testing. Allele origin: germline.
Comment: The SCAPER c.3380C>T variant is predicted to result in the amino acid substitution p.Ser1127Leu. To our knowledge, this variant has not been reported in the literature. This variant is reported in 0.0098% of alleles in individuals of South Asian descent in gnomAD. At this time, the clinical significance of this variant is uncertain due to the absence of conclusive functional and genetic evidence.

Blueprint Genetics
Classification: Uncertain significance. Last evaluated: 2022-07-05. Review status: criteria provided, single submitter. Criteria: ACMG Guidelines, 2015. Collection method: clinical testing. Allele origin: germline.